The following is an entry in ClinVar:

ClinVar aggregate classification (germline): Likely benign. Review status: criteria provided, multiple submitters, no conflicts (2 of 4 stars). 4 submissions from 4 submitters: Likely benign (3). 1 of the submissions does not count toward it. Last evaluated 2026-07-01.

Conditions:
ACVRL1-related disorder. Also called: ACVRL1-related disorders; ACVRL1-related condition.
Cardiovascular phenotype. Identifiers: MedGen CN230736.
Telangiectasia, hereditary hemorrhagic, type 2 (HHT2). Also called: ACVRL1-Related Hereditary Hemorrhagic Telangiectasia; Telangiectasia, hereditary hemorrhagic, type II. Identifiers: Orphanet 774, MedGen C1838163, MONDO:0010880, OMIM 600376. Disease mechanism: loss of function.

Allele frequency attached by ClinVar (database versions not stated): ExAC 0.00005; gnomAD exomes 0.00005.
gnomAD v4.1: 14 of 1,607,170 alleles (0.00087%); highest among the groups gnomAD compares: Admixed American, 0.024%; no homozygotes.

Submissions (4):

CeGaT Center for Human Genetics Tuebingen
Classification: Likely benign. Last evaluated: 2026-07-01. Review status: criteria provided, single submitter. Criteria: CeGaT Center For Human Genetics Tuebingen Variant Classification Criteria Version 2. Collection method: clinical testing. Allele origin: germline. Affected: yes. Observed: 1 variant allele.
Comment: ACVRL1: BP4, BP7

Labcorp Genetics (formerly Invitae), Labcorp
Classification: Likely benign for Telangiectasia, hereditary hemorrhagic, type 2. Last evaluated: 2025-02-14. Review status: criteria provided, single submitter. Criteria: Invitae Variant Classification Sherloc (09022015). Collection method: clinical testing. Allele origin: germline.

Ambry Genetics
Classification: Likely benign for Cardiovascular phenotype. Last evaluated: 2022-08-07. Review status: criteria provided, single submitter. Criteria: Ambry Variant Classification Scheme 2023. Collection method: clinical testing. Allele origin: germline.

PreventionGenetics, part of Exact Sciences
Classification: Likely benign for ACVRL1-related condition. Last evaluated: 2023-11-16. Review status: no assertion criteria provided. Collection method: clinical testing. Allele origin: germline. Not counted in ClinVar's aggregate classification.
Comment: This variant is classified as likely benign based on ACMG/AMP sequence variant interpretation guidelines (Richards et al. 2015 PMID: 25741868, with internal and published modifications).

NM_000020.3(ACVRL1):c.111G>A (p.Glu37=)

Gene: ACVRL1 (activin A receptor like type 1; plus strand). Cytogenetic location: 12q13.13.
Variant type: single nucleotide variant.
Coding change: c.111G>A on transcript NM_000020.3 (MANE Select); coding-DNA position 111, G replaced by A.
Protein change: p.Glu37=; no amino-acid change (glutamic acid 37 retained).
Molecular consequence: synonymous variant.
Genome position (GRCh38, 1-based): chr12:51,913,148, G>A. VCF-style: chr12-51913148-G-A. GRCh37 (hg19) VCF-style: chr12-52306932-G-A.
Other names: c.111G>A, p.Glu37= (NM_001077401.2).
Identifiers: ClinVar variation 1082795 (VCV001082795.14), dbSNP rs781586192, ClinGen allele CA6572817.